The following is an entry in ClinVar:

ClinVar aggregate classification (germline): Likely pathogenic. Review status: criteria provided, multiple submitters, no conflicts (2 of 4 stars). 2 submissions from 2 submitters: Likely pathogenic (2). Last evaluated 2025-05-30.

Conditions:
Cardiomyopathy (CMYO). Also called: Cardiomyopathies. Identifiers: Orphanet 167848, MedGen C0878544, MONDO:0004994, HP:0001638. Inheritance: Various modes of inheritance.
Arrhythmogenic cardiomyopathy with wooly hair and keratoderma. Also called: Carvajal syndrome; PALMOPLANTAR KERATODERMA WITH LEFT VENTRICULAR CARDIOMYOPATHY AND WOOLLY HAIR; Dilated cardiomyopathy with woolly hair and keratoderma; Arrhythmogenic cardiomyopathy with woolly hair and keratoderma. Identifiers: Orphanet 65282, MedGen C1854063, MONDO:0011581, OMIM 605676.

Submissions (2):

Color Diagnostics, LLC DBA Color Health
Classification: Likely pathogenic for Cardiomyopathy. Last evaluated: 2025-05-30. Review status: criteria provided, single submitter. Criteria: ACMG Guidelines, 2015. Collection method: clinical testing. Allele origin: germline.
Comment: This variant changes 1 nucleotide in exon 24 of the DSP gene, creating a frameshift and premature translation stop signal in the last coding exon. This variant is predicted to escape nonsense-mediated decay and be expressed as a truncated protein. Although functional studies have not been reported, this variant alters the plakin repeat domain B (a.a. 2244-2446) and is expected to disrupt DSP protein function. In addition, truncating variants occurring downstream of this variant are known to be disease-causing (ClinVar variation ID: 1326970, 432027). To our knowledge, this variant has not been reported in individuals affected with DSP-related disorders in the literature. This variant has not been identified in the general population by the Genome Aggregation Database (gnomAD). Based on the available evidence, this variant is classified as Likely Pathogenic.

All of Us Research Program, National Institutes of Health
Classification: Likely pathogenic for Arrhythmogenic cardiomyopathy with wooly hair and keratoderma. Last evaluated: 2024-09-06. Review status: criteria provided, single submitter. Criteria: ACMG Guidelines, 2015. Collection method: clinical testing. Allele origin: germline. Inheritance: Autosomal dominant inheritance. Observed: 1 variant allele, 1 heterozygote.
Comment: The c.7111C>T (p.Gln2371*) variant in the DSP gene causes a premature termination at codon 2371. This termination codon, which occurs within the last exon and is likely to escape nonsense mediated decay (NMD), results in a truncated protein that misses >10% of the coding region. Loss-of-function variants in DSP are known to be pathogenic (PMID: 20716751, 24503780, 25227139). Other DSP frameshift or stopgain variants upstream and downstream of the variant of interest have been classified as LP/P in ClinVar (ID: 199905, 1326970 and 16837). This variant is absent in the general population (gnomAD v4.1.0). Therefore, the c.7111C>T (p.Gln2371*) variant of DSP is classified as likely pathogenic.

This study involves interpretation of variants in research participants for the purpose of population health screening. Participant phenotype was not available at the time of variant classification. Additional details can be found in publication PMID: 35346344, PMCID: PMC8962531

Literature cited by the submitters: PubMed 20716751 (cited by All of Us Research Program, National Institutes of Health); PubMed 24503780 (cited by All of Us Research Program, National Institutes of Health); PubMed 25227139 (cited by All of Us Research Program, National Institutes of Health).

NM_004415.4(DSP):c.7111C>T (p.Gln2371Ter)

Gene: DSP (desmoplakin; plus strand). Cytogenetic location: 6p24.3.
Variant type: single nucleotide variant.
Coding change: c.7111C>T on transcript NM_004415.4 (MANE Select); coding-DNA position 7111, C replaced by T.
Protein change: p.Gln2371Ter; replaces glutamine 2371 with a stop codon.
Molecular consequence: nonsense.
Genome position (GRCh38, 1-based): chr6:7,584,373, C>T. VCF-style: chr6-7584373-C-T. GRCh37 (hg19) VCF-style: chr6-7584606-C-T.
Other names: c.5314C>T, p.Gln1772Ter (NM_001008844.3); c.5782C>T, p.Gln1928Ter (NM_001319034.2); short protein forms Q1772*, Q1928*, Q2371*.
Identifiers: ClinVar variation 3386713 (VCV003386713.2).